The following is an entry in ClinVar:

ClinVar aggregate classification (germline): Benign/Likely benign. Review status: criteria provided, multiple submitters, no conflicts (2 of 4 stars). 5 submissions from 5 submitters: Benign (3); Likely benign (2). Last evaluated 2026-01-28.

Conditions:
Inborn genetic diseases. Identifiers: MedGen C0950123, MeSH D030342.

Allele frequency attached by ClinVar (database versions not stated): ESP Exome Variant Server 0.00056; gnomAD exomes 0.00063 and 0.00115; TOPMed 0.00068; gnomAD 0.00077 and 0.00080; ExAC 0.00085.
gnomAD v4.1: 1,786 of 1,613,298 alleles (0.11%); highest among the groups gnomAD compares: Non-Finnish European, 0.14%; 1 homozygote.

Submissions (5):

Labcorp Genetics (formerly Invitae), Labcorp
Classification: Benign. Last evaluated: 2026-01-28. Review status: criteria provided, single submitter. Criteria: Invitae Variant Classification Sherloc (09022015). Collection method: clinical testing. Allele origin: germline.

CeGaT Center for Human Genetics Tuebingen
Classification: Likely benign. Last evaluated: 2025-07-01. Review status: criteria provided, single submitter. Criteria: CeGaT Center For Human Genetics Tuebingen Variant Classification Criteria Version 2. Collection method: clinical testing. Allele origin: germline. Affected: yes. Observed: 1 variant allele.
Comment: CHD8: BP4, BP7

GeneDx
Classification: Benign. Last evaluated: 2020-02-06. Review status: criteria provided, single submitter. Criteria: GeneDx Variant Classification Process June 2021. Collection method: clinical testing. Allele origin: germline. Affected: yes.

Genetic Services Laboratory, University of Chicago
Classification: Benign. Last evaluated: 2018-06-20. Review status: criteria provided, single submitter. Criteria: ACMG Guidelines, 2015. Collection method: clinical testing. Allele origin: germline. Affected: no.

Ambry Genetics
Classification: Likely benign for Inborn genetic diseases. Last evaluated: 2017-01-10. Review status: criteria provided, single submitter. Criteria: Ambry Variant Classification Scheme 2023. Collection method: clinical testing. Allele origin: germline.

NM_001170629.2(CHD8):c.6207G>A (p.Ser2069=)

Gene: CHD8 (chromodomain helicase DNA binding protein 8; minus strand). Cytogenetic location: 14q11.2.
Variant type: single nucleotide variant.
Coding change: c.6207G>A on transcript NM_001170629.2 (MANE Select); coding-DNA position 6207, G replaced by A.
Protein change: p.Ser2069=; no amino-acid change (serine 2069 retained).
Molecular consequence: synonymous variant.
Genome position (GRCh38, 1-based): chr14:21,393,588, C>T on the plus strand (G>A on the coding strand, the complement: CHD8 is on the minus strand). VCF-style: chr14-21393588-C-T. GRCh37 (hg19) VCF-style: chr14-21861747-C-T.
Other names: c.5370G>A, p.Ser1790= (NM_020920.4).
Identifiers: ClinVar variation 589731 (VCV000589731.27), dbSNP rs370827611, ClinGen allele CA7090822.
Genomic context (GRCh38, chr14:21,393,588, plus strand): 5'-GGATGAGGATGAGGAAGAAGAAGAAGATGGTGACAGCTTGCTCAAGTCCAGCTCAGAGTC[C>T]GAATCATCCTCATCCTCCAGTTTGACTGGTGGAACACTCCGGGAAACCAGAGGGGTAGTA-3'
Protein context (NP_001164100.1, residues 2059-2079): PPVKLEDEDD[Ser2069=]DSELDLSKLS